The following is an entry in ClinVar:

NM_182894.3(VSX2):c.638G>A (p.Ser213Asn)

Gene: VSX2 (visual system homeobox 2; plus strand). Cytogenetic location: 14q24.3.
Variant type: single nucleotide variant.
Coding change: c.638G>A on transcript NM_182894.3 (MANE Select); coding-DNA position 638, G replaced by A.
Protein change: p.Ser213Asn; replaces serine 213 with asparagine.
Molecular consequence: missense variant.
Genome position (GRCh38, 1-based): chr14:74,259,660, G>A. VCF-style: chr14-74259660-G-A. GRCh37 (hg19) VCF-style: chr14-74726363-G-A.
Other names: short protein forms S213N.
Identifiers: ClinVar variation 660623 (VCV000660623.2), dbSNP rs1318485889, ClinGen allele CA390369246.
Genomic context (GRCh38, chr14:74,259,660, plus strand): 5'-AGGTCTGGTTCCAGAACCGTCGAGCCAAGTGGAGGAAGCGGGAGAAGTGCTGGGGCCGGA[G>A]CAGTGTCATGGCGGAGTATGGGCTCTACGGGGCCATGGTGCGGCACTCCATCCCCCTGCC-3'
Protein context (NP_878314.1, residues 203-223): WRKREKCWGR[Ser213Asn]SVMAEYGLYG

ClinVar aggregate classification (germline): Uncertain significance. Review status: criteria provided, single submitter (1 of 4 stars). 2 submissions from 2 submitters: Uncertain significance (1). 1 of the submissions does not count toward it. Last evaluated 2018-11-20.

Conditions:
Microphthalmia. Also called: Microphthalmos. Identifiers: MedGen C0026010, MONDO:0021129, HP:0000568.
Isolated microphthalmia 2. Identifiers: Orphanet 2542, MedGen C1864720, MONDO:0012409, OMIM 610093.

Allele frequency attached by ClinVar (database versions not stated): gnomAD exomes below 0.00001.
gnomAD v4.1: 1 of 1,614,198 alleles (0.000062%); highest among the groups gnomAD compares: East Asian, 0.0022%; no homozygotes.

Submissions (2):

Labcorp Genetics (formerly Invitae), Labcorp
Classification: Uncertain significance for Microphthalmia, isolated 2. Last evaluated: 2018-11-20. Review status: criteria provided, single submitter. Criteria: Invitae Variant Classification Sherloc (09022015). Collection method: clinical testing. Allele origin: germline.
Comment: This sequence change replaces serine with asparagine at codon 213 of the VSX2 protein (p.Ser213Asn). The serine residue is highly conserved and there is a small physicochemical difference between serine and asparagine. This variant is not present in population databases (ExAC no frequency). This variant has not been reported in the literature in individuals with VSX2-related disease. Algorithms developed to predict the effect of missense changes on protein structure and function (SIFT, PolyPhen-2, Align-GVGD) all suggest that this variant is likely to be disruptive, but these predictions have not been confirmed by published functional studies and their clinical significance is uncertain. In summary, the available evidence is currently insufficient to determine the role of this variant in disease. Therefore, it has been classified as a Variant of Uncertain Significance.

Natera, Inc.
Classification: Uncertain significance for Microphthalmia. Last evaluated: 2021-10-14. Review status: no assertion criteria provided. Collection method: clinical testing. Allele origin: germline. Not counted in ClinVar's aggregate classification.